The following is an entry in ClinVar:

ClinVar aggregate classification (germline): Uncertain significance (1 of 4 stars; one submission).

Conditions:
Familial episodic pain syndrome with predominantly lower limb involvement. Also called: Episodic pain syndrome, familial, 3. Identifiers: Orphanet 391384, Orphanet 391392, MedGen C3809899, MONDO:0014247, OMIM 615552.
Hereditary sensory and autonomic neuropathy type 7. Also called: HSAN VII; Neuropathy, hereditary sensory and autonomic, type VII. Identifiers: Orphanet 391397, MedGen C3809882, MONDO:0014244, OMIM 615548.

Allele frequency attached by ClinVar (database versions not stated): ExAC 0.00001.
gnomAD v4.1: 10 of 1,613,466 alleles (0.00062%); highest among the groups gnomAD compares: Admixed American, 0.01%; no homozygotes.

Submission:

Labcorp Genetics (formerly Invitae), Labcorp
Classification: Uncertain significance for Familial episodic pain syndrome with predominantly lower limb involvement; Hereditary sensory and autonomic neuropathy type 7. Last evaluated: 2024-03-16. Review status: criteria provided, single submitter. Criteria: Invitae Variant Classification Sherloc (09022015). Collection method: clinical testing. Allele origin: germline.
Comment: This sequence change replaces glutamic acid, which is acidic and polar, with lysine, which is basic and polar, at codon 775 of the SCN11A protein (p.Glu775Lys). This variant is present in population databases (rs773777175, gnomAD 0.01%). This variant has not been reported in the literature in individuals affected with SCN11A-related conditions. ClinVar contains an entry for this variant (Variation ID: 1394449). Advanced modeling of protein sequence and biophysical properties (such as structural, functional, and spatial information, amino acid conservation, physicochemical variation, residue mobility, and thermodynamic stability) performed at Invitae indicates that this missense variant is expected to disrupt SCN11A protein function with a positive predictive value of 80%. In summary, the available evidence is currently insufficient to determine the role of this variant in disease. Therefore, it has been classified as a Variant of Uncertain Significance.

NM_001349253.2(SCN11A):c.2323G>A (p.Glu775Lys)

Gene: SCN11A (sodium voltage-gated channel alpha subunit 11; minus strand). Cytogenetic location: 3p22.2.
Variant type: single nucleotide variant.
Coding change: c.2323G>A on transcript NM_001349253.2 (MANE Select); coding-DNA position 2323, G replaced by A.
Protein change: p.Glu775Lys; replaces glutamic acid 775 with lysine.
Molecular consequence: missense variant.
Genome position (GRCh38, 1-based): chr3:38,896,925, C>T on the plus strand (G>A on the coding strand, the complement: SCN11A is on the minus strand). VCF-style: chr3-38896925-C-T. GRCh37 (hg19) VCF-style: chr3-38938416-C-T.
Other names: c.2323G>A, p.Glu775Lys (NM_014139.3); short protein forms E775K.
Identifiers: ClinVar variation 1394449 (VCV001394449.8), dbSNP rs773777175, ClinGen allele CA2322086.
Genomic context (GRCh38, chr3:38,896,925, plus strand): 5'-TGATCAATATGAAGACAATAACACACAATGATGATGATGCATTCGCTTCTTGCATACATT[C>T]CCACATATTTTCGATCCATTCCCCGCAGAGGATGCGGAATACCACTAGGAAGGAGTGCCA-3'
Protein context (NP_001336182.1, residues 765-785): LCGEWIENMW[Glu775Lys]CMQEANASSS